The following is an entry in ClinVar:

NM_000059.4(BRCA2):c.2689G>C (p.Glu897Gln)

Gene: BRCA2 (BRCA2 DNA repair associated; plus strand). Cytogenetic location: 13q13.1.
Variant type: single nucleotide variant.
Coding change: c.2689G>C on transcript NM_000059.4 (MANE Select); coding-DNA position 2689, G replaced by C.
Protein change: p.Glu897Gln; replaces glutamic acid 897 with glutamine.
Molecular consequence: missense variant.
Genome position (GRCh38, 1-based): chr13:32,337,044, G>C. VCF-style: chr13-32337044-G-C. GRCh37 (hg19) VCF-style: chr13-32911181-G-C.
Other names: short protein forms E897Q.
Identifiers: ClinVar variation 664416 (VCV000664416.12), dbSNP rs979372317, ClinGen allele CA387773452.

ClinVar aggregate classification (germline): Conflicting classifications of pathogenicity. Review status: criteria provided, conflicting classifications (1 of 4 stars). 3 submissions from 3 submitters: Uncertain significance (2); Likely benign (1). Last evaluated 2026-01-21.

Conditions:
Hereditary cancer-predisposing syndrome. Also called: Tumor predisposition; Hereditary neoplastic syndrome; Neoplastic Syndromes, Hereditary; Hereditary Cancer Syndrome. Identifiers: Orphanet 140162, MedGen C0027672, MeSH D009386, MONDO:0015356.
Hereditary breast ovarian cancer syndrome. Also called: BRCA1- and BRCA2-Associated Hereditary Breast and Ovarian Cancer; Breast and ovarian cancer; Hereditary breast and ovarian cancer syndrome (HBOC); Hereditary breast and ovarian cancer; Hereditary breast and ovarian cancer syndrome; Hereditary breast and/or ovarian cancer syndrome. Identifiers: Orphanet 145, MedGen C0677776, MeSH D061325, MONDO:0003582. Disease mechanism: loss of function.

gnomAD v4.1: 10 of 1,600,532 alleles (0.00062%); highest among the groups gnomAD compares: Non-Finnish European, 0.00077%; no homozygotes.

Submissions (3):

Labcorp Genetics (formerly Invitae), Labcorp
Classification: Uncertain significance for Hereditary breast ovarian cancer syndrome. Last evaluated: 2026-01-21. Review status: criteria provided, single submitter. Criteria: Invitae Variant Classification Sherloc (09022015). Collection method: clinical testing. Allele origin: germline.
Comment: This sequence change replaces glutamic acid, which is acidic and polar, with glutamine, which is neutral and polar, at codon 897 of the BRCA2 protein (p.Glu897Gln). This variant is not present in population databases (gnomAD no frequency). This variant has not been reported in the literature in individuals affected with BRCA2-related conditions. ClinVar contains an entry for this variant (Variation ID: 664416). Invitae Evidence Modeling of protein sequence and biophysical properties (such as structural, functional, and spatial information, amino acid conservation, physicochemical variation, residue mobility, and thermodynamic stability) indicates that this missense variant is not expected to disrupt BRCA2 protein function with a negative predictive value of 95%. In summary, the available evidence is currently insufficient to determine the role of this variant in disease. Therefore, it has been classified as a Variant of Uncertain Significance.

Ambry Genetics
Classification: Uncertain significance for Hereditary cancer-predisposing syndrome. Last evaluated: 2024-03-07. Review status: criteria provided, single submitter. Criteria: Ambry Variant Classification Scheme 2023. Collection method: clinical testing. Allele origin: germline.
Comment: The p.E897Q variant (also known as c.2689G>C), located in coding exon 10 of the BRCA2 gene, results from a G to C substitution at nucleotide position 2689. The glutamic acid at codon 897 is replaced by glutamine, an amino acid with highly similar properties. This amino acid position is not well conserved in available vertebrate species. In addition, the in silico prediction for this alteration is inconclusive. Based on the available evidence, the clinical significance of this alteration remains unclear.

University of Washington Department of Laboratory Medicine, University of Washington
Classification: Likely benign for Hereditary cancer-predisposing syndrome. Last evaluated: 2023-03-23. Review status: criteria provided, single submitter. Criteria: Dines et al. (Genet Med. 2020). Collection method: curation. Allele origin: germline.
Comment: Missense variant in a coldspot region where missense variants are very unlikely to be pathogenic (PMID:31911673).

BRCA2 exon 11 coldspot. Reclassification based on statistical prior probability.